The following is an entry in ClinVar:

ClinVar aggregate classification (germline): Likely benign. Review status: criteria provided, multiple submitters, no conflicts (2 of 4 stars). 2 submissions from 2 submitters: Likely benign (2). Last evaluated 2023-10-01.

Allele frequency attached by ClinVar (database versions not stated): TOPMed 0.00001; ExAC 0.00002; gnomAD exomes 0.00002; gnomAD 0.00003 and 0.00004; 1000 Genomes Project 30x 0.00016; 1000 Genomes Project 0.00020.
gnomAD v4.1: 42 of 1,613,952 alleles (0.0026%); highest among the groups gnomAD compares: East Asian, 0.047%; no homozygotes.

Submissions (2):

CeGaT Center for Human Genetics Tuebingen
Classification: Likely benign. Last evaluated: 2023-10-01. Review status: criteria provided, single submitter. Criteria: CeGaT Center For Human Genetics Tuebingen Variant Classification Criteria Version 2. Collection method: clinical testing. Allele origin: germline. Affected: yes. Observed: 1 variant allele.
Comment: KRT14: BP4, BP7

Labcorp Genetics (formerly Invitae), Labcorp
Classification: Likely benign. Last evaluated: 2018-10-03. Review status: criteria provided, single submitter. Criteria: Invitae Variant Classification Sherloc (09022015). Collection method: clinical testing. Allele origin: germline.

NM_000526.5(KRT14):c.252T>C (p.Phe84=)

Gene: KRT14 (keratin 14; minus strand). Cytogenetic location: 17q21.2.
Variant type: single nucleotide variant.
Coding change: c.252T>C on transcript NM_000526.5 (MANE Select); coding-DNA position 252, T replaced by C.
Protein change: p.Phe84=; no amino-acid change (phenylalanine 84 retained).
Molecular consequence: synonymous variant.
Genome position (GRCh38, 1-based): chr17:41,586,583, A>G on the plus strand (T>C on the coding strand, the complement: KRT14 is on the minus strand). VCF-style: chr17-41586583-A-G. GRCh37 (hg19) VCF-style: chr17-39742835-A-G.
Identifiers: ClinVar variation 752826 (VCV000752826.28), dbSNP rs573807721, ClinGen allele CA8562765.
Genomic context (GRCh38, chr17:41,586,583, plus strand): 5'-AAAGCCACCACCAAAGCCACCACCCAAGCCAGCACCAAGGCCACCACCATATCCTCCCCC[A>G]AAGCCACTACCAAAGCTGCTGCTGCTGCTGCTGAAGCCACCGCCATAGCCGCCCCCCAGC-3'
Protein context (NP_000517.3, residues 74-94): SSSSSSFGSG[Phe84=]GGGYGGGLGA